The following is an entry in ClinVar:

ClinVar aggregate classification (germline): Likely benign. Review status: criteria provided, multiple submitters, no conflicts (2 of 4 stars). 5 submissions from 5 submitters: Likely benign (5). Last evaluated 2025-11-06.

Conditions:
Aortic aneurysm, familial thoracic 4 (AAT4). Also called: AORTIC ANEURYSM/AORTIC DISSECTION AND PATENT DUCTUS ARTERIOSUS. Identifiers: MedGen C1851504, MONDO:0007568, OMIM 132900.
Familial thoracic aortic aneurysm and aortic dissection (TAAD). Also called: Thoracic aortic aneurysms and dissections. Identifiers: Orphanet 91387, MedGen C4707243, MONDO:0019625.

Allele frequency attached by ClinVar (database versions not stated): ExAC 0.00001; gnomAD 0.00001; TOPMed 0.00001; gnomAD exomes 0.00002.
gnomAD v4.1: 11 of 1,613,160 alleles (0.00068%); highest among the groups gnomAD compares: Non-Finnish European, 0.00093%; no homozygotes.

Submissions (5):

Labcorp Genetics (formerly Invitae), Labcorp
Classification: Likely benign for Aortic aneurysm, familial thoracic 4. Last evaluated: 2025-11-06. Review status: criteria provided, single submitter. Criteria: Invitae Variant Classification Sherloc (09022015). Collection method: clinical testing. Allele origin: germline.

Laboratory of Genetics, Children's Clinical University Hospital Latvia
Classification: Likely benign. Last evaluated: 2025-02-16. Review status: criteria provided, single submitter. Criteria: ACMG Guidelines, 2015. Collection method: clinical testing. Allele origin: germline. Affected: yes.

All of Us Research Program, National Institutes of Health
Classification: Likely benign for Familial thoracic aortic aneurysm and aortic dissection. Last evaluated: 2024-07-10. Review status: criteria provided, single submitter. Criteria: ACMG Guidelines, 2015. Collection method: clinical testing. Allele origin: germline. Inheritance: Autosomal dominant inheritance. Observed: 4 variant alleles, 4 heterozygotes.
Comment: This study involves interpretation of variants in research participants for the purpose of population health screening. Participant phenotype was not available at the time of variant classification. Additional details can be found in publication PMID: 35346344, PMCID: PMC8962531

Color Diagnostics, LLC DBA Color Health
Classification: Likely benign for Familial thoracic aortic aneurysm and aortic dissection. Last evaluated: 2020-06-07. Review status: criteria provided, single submitter. Criteria: ACMG Guidelines, 2015. Collection method: clinical testing. Allele origin: germline.

Ambry Genetics
Classification: Likely benign for Familial thoracic aortic aneurysm and aortic dissection. Last evaluated: 2019-01-21. Review status: criteria provided, single submitter. Criteria: Ambry Variant Classification Scheme 2023. Collection method: clinical testing. Allele origin: germline.

NM_002474.3(MYH11):c.3144G>A (p.Lys1048=)

Gene: MYH11 (myosin heavy chain 11; minus strand). Cytogenetic location: 16p13.11.
Variant type: single nucleotide variant.
Coding change: c.3144G>A on transcript NM_002474.3 (MANE Select); coding-DNA position 3144, G replaced by A.
Protein change: p.Lys1048=; no amino-acid change (lysine 1048 retained).
Molecular consequence: synonymous variant.
Genome position (GRCh38, 1-based): chr16:15,737,598, C>T on the plus strand (G>A on the coding strand, the complement: MYH11 is on the minus strand). VCF-style: chr16-15737598-C-T. GRCh37 (hg19) VCF-style: chr16-15831455-C-T.
Other names: c.3165G>A, p.Lys1055= (NM_001040114.2, NM_001040113.2); c.3144G>A, p.Lys1048= (NM_022844.3).
Identifiers: ClinVar variation 1172312 (VCV001172312.12), dbSNP rs763362977, ClinGen allele CA7922074.
Genomic context (GRCh38, chr16:15,737,598, plus strand): 5'-GTGGAAGTCGCTGGCATCACCCTCCAGCTTCCGTTTCAGCTTCTCCAGCTCCTGTCGGCT[C>T]TTCTCTTCCTTCTTTAGCCGCACTGCAAAAACCAAGGTGCTCTTCAGGAAGGGGAGGCCC-3'
Protein context (NP_002465.1, residues 1038-1058): ELEVRLKKEE[Lys1048=]SRQELEKLKR